The following is an entry in ClinVar:

NM_001365536.1(SCN9A):c.2342T>C (p.Leu781Ser)

Genes: SCN9A (sodium voltage-gated channel alpha subunit 9; minus strand), SCN1A-AS1 (SCN1A and SCN9A antisense RNA 1; plus strand). Cytogenetic location: 2q24.3.
Variant type: single nucleotide variant.
Coding change: c.2342T>C on transcript NM_001365536.1 (MANE Select); coding-DNA position 2342, T replaced by C.
Protein change: p.Leu781Ser; replaces leucine 781 with serine.
Molecular consequence: missense variant.
Genome position (GRCh38, 1-based): chr2:166,280,358, A>G on the plus strand (T>C on the coding strand, the complement: SCN9A is on the minus strand). VCF-style: chr2-166280358-A-G. GRCh37 (hg19) VCF-style: chr2-167136868-A-G.
Other names: c.2309T>C, p.Leu770Ser (NM_002977.4); short protein forms L781S, L770S.
Identifiers: ClinVar variation 944715 (VCV000944715.10), dbSNP rs1553488743, ClinGen allele CA349079293.

ClinVar aggregate classification (germline): Uncertain significance (1 of 4 stars; one submission).

Conditions:
Neuropathy, hereditary sensory and autonomic, type 2A (HSAN2A). Also called: HSAN IIA; MORVAN DISEASE; NEUROPATHY, CONGENITAL SENSORY; NEUROPATHY, HEREDITARY SENSORY RADICULAR, AUTOSOMAL RECESSIVE; NEUROPATHY, HEREDITARY SENSORY, TYPE IIA; NEUROPATHY, PROGRESSIVE SENSORY, OF CHILDREN. Identifiers: Orphanet 970, MedGen C2752089, MONDO:0024309, OMIM 201300.
Generalized epilepsy with febrile seizures plus, type 7 (GEFSP7). Also called: GEFS+, TYPE 7. Identifiers: Orphanet 36387, MedGen C2751778, MONDO:0013470, OMIM 613863.

Submission:

Labcorp Genetics (formerly Invitae), Labcorp
Classification: Uncertain significance for Neuropathy, hereditary sensory and autonomic, type 2A; Generalized epilepsy with febrile seizures plus, type 7. Last evaluated: 2019-06-21. Review status: criteria provided, single submitter. Criteria: Invitae Variant Classification Sherloc (09022015). Collection method: clinical testing. Allele origin: germline.
Comment: In summary, the available evidence is currently insufficient to determine the role of this variant in disease. Therefore, it has been classified as a Variant of Uncertain Significance. This sequence change replaces leucine with serine at codon 770 of the SCN9A protein (p.Leu770Ser). The leucine residue is moderately conserved and there is a large physicochemical difference between leucine and serine. This variant is not present in population databases (ExAC no frequency). This variant has not been reported in the literature in individuals with SCN9A-related conditions. Algorithms developed to predict the effect of missense changes on protein structure and function are either unavailable or do not agree on the potential impact of this missense change (SIFT: "Tolerated"; PolyPhen-2: "Probably Damaging"; Align-GVGD: "Class C0").